The following is an entry in ClinVar:

ClinVar aggregate classification (germline): Uncertain significance (1 of 4 stars; one submission).

Submission:

Ambry Genetics
Classification: Uncertain significance. Last evaluated: 2025-06-06. Review status: criteria provided, single submitter. Criteria: Ambry Variant Classification Scheme 2023. Collection method: clinical testing. Allele origin: germline.
Comment: The p.P1167R variant (also known as c.3500C>G), located in coding exon 31 of the KIF1B gene, results from a C to G substitution at nucleotide position 3500. The proline at codon 1167 is replaced by arginine, an amino acid with dissimilar properties. This amino acid position is conserved. In addition, this alteration is predicted to be tolerated by in silico analysis. Based on the available evidence, the clinical significance of this variant remains unclear.

NM_001365951.3(KIF1B):c.3638C>G (p.Pro1213Arg)

Gene: KIF1B (kinesin family member 1B; plus strand). Cytogenetic location: 1p36.22.
Variant type: single nucleotide variant.
Coding change: c.3638C>G on transcript NM_001365951.3 (MANE Select); coding-DNA position 3638, C replaced by G.
Protein change: p.Pro1213Arg; replaces proline 1213 with arginine.
Molecular consequence: missense variant.
Genome position (GRCh38, 1-based): chr1:10,343,237, C>G. VCF-style: chr1-10343237-C-G. GRCh37 (hg19) VCF-style: chr1-10403295-C-G.
Other names: c.3638C>G, p.Pro1213Arg (NM_001365952.1); c.3500C>G, p.Pro1167Arg (NM_015074.3); short protein forms P1213R, P1167R.
Identifiers: ClinVar variation 4043165 (VCV004043165.1).
Genomic context (GRCh38, chr1:10,343,237, plus strand): 5'-TTTCTAAAATAAATAACTCTTTATAGTCTTGATCTTTGTCTTCCTTTCTTTGCAGTCCGC[C>G]TCAGCCGTGCCGCCGATTCTTCCCTCCACCCATGCCACTGTCCAAGCCAGGTGAGCACTC-3'
Protein context (NP_001352880.1, residues 1203-1223): HLQGQELNSP[Pro1213Arg]QPCRRFFPPP